The following is an entry in ClinVar:

NM_199420.4(POLQ):c.3548A>C (p.Tyr1183Ser)

Gene: POLQ (DNA polymerase theta; minus strand). Cytogenetic location: 3q13.33.
Variant type: single nucleotide variant.
Coding change: c.3548A>C on transcript NM_199420.4 (MANE Select); coding-DNA position 3548, A replaced by C.
Protein change: p.Tyr1183Ser; replaces tyrosine 1183 with serine.
Molecular consequence: missense variant.
Genome position (GRCh38, 1-based): chr3:121,489,383, T>G on the plus strand (A>C on the coding strand, the complement: POLQ is on the minus strand). VCF-style: chr3-121489383-T-G. GRCh37 (hg19) VCF-style: chr3-121208230-T-G.
Other names: short protein forms Y1183S.
Identifiers: ClinVar variation 3229946 (VCV003229946.1), dbSNP rs1342993761, ClinGen allele CA354099286.
Genomic context (GRCh38, chr3:121,489,383, plus strand): 5'-TGTTCATGAGATTGCTTTCGCAGGTACTGGTTAATTGGATGGATGTCATGGTGTTTCATA[T>G]AAACATTCTGGTTTTTTGAACCATTTTGTATCAGCACTTCATTTATTTTTTCTGCCTCAA-3'
Protein context (NP_955452.3, residues 1173-1193): IQNGSKNQNV[Tyr1183Ser]MKHHDIHPIN

ClinVar aggregate classification (germline): Uncertain significance (1 of 4 stars; one submission).

Submission:

Ambry Genetics
Classification: Uncertain significance. Last evaluated: 2024-03-13. Review status: criteria provided, single submitter. Criteria: Ambry Variant Classification Scheme 2023. Collection method: clinical testing. Allele origin: germline.
Comment: The p.Y1183S variant (also known as c.3548A>C), located in coding exon 16 of the POLQ gene, results from an A to C substitution at nucleotide position 3548. The tyrosine at codon 1183 is replaced by serine, an amino acid with dissimilar properties. This amino acid position is conserved. In addition, this alteration is predicted to be tolerated by in silico analysis. Based on the available evidence, the clinical significance of this alteration remains unclear.